The following is an entry in ClinVar:

ClinVar aggregate classification (germline): Uncertain significance (1 of 4 stars; one submission).

Conditions:
Neurofibromatosis, type 1 (NF1). Also called: Neurofibromatosis, type I; NEUROFIBROMATOSIS, TYPE I, SOMATIC; Peripheral type neurofibromatosis; VON RECKLINGHAUSEN DISEASE. Identifiers: Orphanet 636, MedGen C0027831, MONDO:0018975, OMIM 162200. Disease mechanism: loss of function.

Submission:

Labcorp Genetics (formerly Invitae), Labcorp
Classification: Uncertain significance for Neurofibromatosis, type 1. Last evaluated: 2016-08-12. Review status: criteria provided, single submitter. Criteria: Invitae Variant Classification Sherloc (09022015). Collection method: clinical testing. Allele origin: germline.
Comment: In summary, this variant is a novel missense change that is not predicted to affect protein function. There is no indication that it causes disease, but the available evidence is currently insufficient to prove that conclusively. Therefore, it has been classified as a Variant of Uncertain Significance. Algorithms developed to predict the effect of missense changes on protein structure and function (SIFT, PolyPhen-2, Align-GVGD) all suggest that this variant is likely to be tolerated, but these predictions have not been confirmed by published functional studies. This variant is not present in population databases (ExAC no frequency) and has not been reported in the literature in individuals with a NF1-related disease. This sequence change replaces proline with alanine at codon 539 of the NF1 protein (p.Pro539Ala). The proline residue is moderately conserved and there is a small physicochemical difference between proline and alanine.

NM_001042492.3(NF1):c.1615C>G (p.Pro539Ala)

Gene: NF1 (neurofibromin 1; plus strand). Cytogenetic location: 17q11.2.
Variant type: single nucleotide variant.
Coding change: c.1615C>G on transcript NM_001042492.3 (MANE Select); coding-DNA position 1615, C replaced by G.
Protein change: p.Pro539Ala; replaces proline 539 with alanine.
Molecular consequence: missense variant.
Genome position (GRCh38, 1-based): chr17:31,219,092, C>G. VCF-style: chr17-31219092-C-G. GRCh37 (hg19) VCF-style: chr17-29546110-C-G.
Other names: c.1615C>G, p.Pro539Ala (NM_000267.4, NM_001128147.3); short protein forms P539A.
Identifiers: ClinVar variation 404585 (VCV000404585.5), dbSNP rs1060500366, ClinGen allele CA16615169.